The following is an entry in ClinVar:

ClinVar aggregate classification (germline): Uncertain significance (1 of 4 stars; one submission).

Submission:

Ambry Genetics
Classification: Uncertain significance. Last evaluated: 2022-06-12. Review status: criteria provided, single submitter. Criteria: Ambry Variant Classification Scheme 2023. Collection method: clinical testing. Allele origin: germline.
Comment: The p.I729M variant (also known as c.2187C>G), located in coding exon 14 of the POLQ gene, results from a C to G substitution at nucleotide position 2187. The isoleucine at codon 729 is replaced by methionine, an amino acid with highly similar properties. This amino acid position is conserved. In addition, this alteration is predicted to be tolerated by in silico analysis. Since supporting evidence is limited at this time, the clinical significance of this alteration remains unclear.

NM_199420.4(POLQ):c.2187C>G (p.Ile729Met)

Gene: POLQ (DNA polymerase theta; minus strand). Cytogenetic location: 3q13.33.
Variant type: single nucleotide variant.
Coding change: c.2187C>G on transcript NM_199420.4 (MANE Select); coding-DNA position 2187, C replaced by G.
Protein change: p.Ile729Met; replaces isoleucine 729 with methionine.
Molecular consequence: missense variant.
Genome position (GRCh38, 1-based): chr3:121,496,899, G>C on the plus strand (C>G on the coding strand, the complement: POLQ is on the minus strand). VCF-style: chr3-121496899-G-C. GRCh37 (hg19) VCF-style: chr3-121215746-G-C.
Other names: short protein forms I729M.
Identifiers: ClinVar variation 1787345 (VCV001787345.2), dbSNP rs538953220, ClinGen allele CA354109290.